The following is an entry in ClinVar:

NM_025219.3(DNAJC5):c.*4070C>G

Gene: DNAJC5 (DnaJ heat shock protein family (Hsp40) member C5; plus strand). Cytogenetic location: 20q13.33.
Variant type: single nucleotide variant.
Coding change: c.*4070C>G on transcript NM_025219.3 (MANE Select); 4070 bases downstream of the stop codon, C replaced by G.
Molecular consequence: 3 prime UTR variant.
Genome position (GRCh38, 1-based): chr20:63,935,638, C>G. VCF-style: chr20-63935638-C-G. GRCh37 (hg19) VCF-style: chr20-62566991-C-G.
Identifiers: ClinVar variation 339439 (VCV000339439.8), dbSNP rs3810500, ClinGen allele CA10650249.

ClinVar aggregate classification (germline): Benign. Review status: criteria provided, multiple submitters, no conflicts (2 of 4 stars). 3 submissions from 3 submitters: Benign (3). Last evaluated 2021-05-18.

Conditions:
Ceroid lipofuscinosis, neuronal, 4 (Kufs type) (CLN4). Also called: Neuronal ceroid lipofuscinosis 4B; Ceroid lipofuscinosis, neuronal, 4, Parry type. Identifiers: Orphanet 228343, Orphanet 79262, MedGen C1834207, MONDO:0008083, OMIM 162350.

Allele frequency attached by ClinVar (database versions not stated): TOPMed 0.08633; 1000 Genomes Project 0.08766; 1000 Genomes Project 30x 0.08823.

Submissions (3):

GeneDx
Classification: Benign. Last evaluated: 2021-05-18. Review status: criteria provided, single submitter. Criteria: GeneDx Variant Classification Process June 2021. Collection method: clinical testing. Allele origin: germline. Affected: yes.

Illumina Laboratory Services, Illumina
Classification: Benign for Ceroid lipofuscinosis, neuronal, 4 (Kufs type). Last evaluated: 2018-01-13. Review status: criteria provided, single submitter. Criteria: ICSL Variant Classification Criteria 13 December 2019. Collection method: clinical testing. Allele origin: germline.
Comment: This variant was observed in the ICSL laboratory as part of a predisposition screen in an ostensibly healthy population. It had not been previously curated by ICSL or reported in the Human Gene Mutation Database (HGMD: prior to June 1st, 2018), and was therefore a candidate for classification through an automated scoring system. Utilizing variant allele frequency, disease prevalence and penetrance estimates, and inheritance mode, an automated score was calculated to assess if this variant is too frequent to cause the disease. Based on the score and internal cut-off values, a variant classified as benign is not then subjected to further curation. The score for this variant resulted in a classification of benign for this disease.

Breakthrough Genomics
Classification: Benign. Review status: criteria provided, single submitter. Criteria: ACMG Guidelines, 2015. Collection method: not provided. Allele origin: germline. Inheritance: Autosomal dominant inheritance. Affected: yes.